The following is an entry in ClinVar:

ClinVar aggregate classification (germline): Likely pathogenic (1 of 4 stars; one submission).

Submission:

Baylor Genetics
Classification: Likely pathogenic. Last evaluated: 2018-11-01. Review status: criteria provided, single submitter. Criteria: ACMG CNV Guidelines, 2011. Collection method: clinical testing. Allele origin: germline. Observed: 1 variant allele.

GRCh37/hg19 9q34.11-34.13(chr9:131670024-134514071)

Genes: ABL1 (ABL proto-oncogene 1, non-receptor tyrosine kinase; plus strand), AIF1L (allograft inflammatory factor 1 like; plus strand), ASB6 (ankyrin repeat and SOCS box containing 6; minus strand), ASS1 (argininosuccinate synthase 1; plus strand), C9orf50 (chromosome 9 open reading frame 50; minus strand) and 35 more. Cytogenetic location: 9q34.11-34.13.
Variant type: copy number loss.
Identifiers: ClinVar variation 625553 (VCV000625553.1).